The following is an entry in ClinVar:

ClinVar aggregate classification (germline): Uncertain significance. Review status: criteria provided, multiple submitters, no conflicts (2 of 4 stars). 2 submissions from 2 submitters: Uncertain significance (2). Last evaluated 2023-10-02.

Conditions:
Intellectual developmental disorder, autosomal dominant 6, with or without seizures. Also called: GRIN2B-related developmental delay, intellectual disability and autism spectrum disorder; Intellectual disability, autosomal dominant 6. Identifiers: Orphanet 589547, MedGen C3151411, MONDO:0013509, OMIM 613970.
Developmental and epileptic encephalopathy, 27 (DEE27). Also called: Epileptic encephalopathy, early infantile, 27; GRIN2B-Related Neurodevelopmental Disorder. Identifiers: Orphanet 3451, MedGen C4015316, MONDO:0014505, OMIM 616139.
Inborn genetic diseases. Identifiers: MedGen C0950123, MeSH D030342.

Allele frequency attached by ClinVar (database versions not stated): gnomAD exomes 0.00001.
gnomAD v4.1: 3 of 1,614,190 alleles (0.00019%); highest among the groups gnomAD compares: Non-Finnish European, 0.00025%; no homozygotes.

Submissions (2):

Ambry Genetics
Classification: Uncertain significance for Inborn genetic diseases. Last evaluated: 2023-10-02. Review status: criteria provided, single submitter. Criteria: Ambry Variant Classification Scheme 2023. Collection method: clinical testing. Allele origin: germline.

Labcorp Genetics (formerly Invitae), Labcorp
Classification: Uncertain significance for Developmental and epileptic encephalopathy, 27; Intellectual developmental disorder, autosomal dominant 6, with or without seizures. Last evaluated: 2023-07-16. Review status: criteria provided, single submitter. Criteria: Invitae Variant Classification Sherloc (09022015). Collection method: clinical testing. Allele origin: germline.
Comment: In summary, the available evidence is currently insufficient to determine the role of this variant in disease. Therefore, it has been classified as a Variant of Uncertain Significance. Advanced modeling of protein sequence and biophysical properties (such as structural, functional, and spatial information, amino acid conservation, physicochemical variation, residue mobility, and thermodynamic stability) performed at Invitae indicates that this missense variant is not expected to disrupt GRIN2B protein function. This variant has not been reported in the literature in individuals affected with GRIN2B-related conditions. This variant is present in population databases (no rsID available, gnomAD 0.002%). This sequence change replaces threonine, which is neutral and polar, with methionine, which is neutral and non-polar, at codon 969 of the GRIN2B protein (p.Thr969Met).

NM_000834.5(GRIN2B):c.2906C>T (p.Thr969Met)

Gene: GRIN2B (glutamate ionotropic receptor NMDA type subunit 2B; minus strand). Cytogenetic location: 12p13.1.
Variant type: single nucleotide variant.
Coding change: c.2906C>T on transcript NM_000834.5 (MANE Select); coding-DNA position 2906, C replaced by T.
Protein change: p.Thr969Met; replaces threonine 969 with methionine.
Molecular consequence: missense variant.
Genome position (GRCh38, 1-based): chr12:13,564,332, G>A on the plus strand (C>T on the coding strand, the complement: GRIN2B is on the minus strand). VCF-style: chr12-13564332-G-A. GRCh37 (hg19) VCF-style: chr12-13717266-G-A.
Other names: c.2906C>T (NM_000834.3); c.2906C>T, p.Thr969Met (NM_001413992.1); short protein forms T969M.
Identifiers: ClinVar variation 2933790 (VCV002933790.4), dbSNP rs926331767, ClinGen allele CA383992830.